The following is an entry in ClinVar:

NM_031443.4(CCM2):c.98_123del (p.His33fs)

Gene: CCM2 (CCM2 scaffold protein; plus strand). Cytogenetic location: 7p13.
Variant type: Deletion.
Coding change: c.98_123del on transcript NM_031443.4 (MANE Select); coding-DNA positions 98 to 123, 26 bases deleted (ATGAGAAGGTGACAGAGAGGCGCCCT).
Protein change: p.His33fs; shifts the reading frame from histidine 33.
Molecular consequence: frameshift variant. On other transcripts: non-coding transcript variant (1), intron variant (2).
Genome position (GRCh38, 1-based): chr7:45,038,320-45,038,345, ATGAGAAGGTGACAGAGAGGCGCCCT deleted. VCF-style (leftmost placement, unchanged base first): chr7-45038319-CATGAGAAGGTGACAGAGAGGCGCCCT-C. GRCh37 (hg19) VCF-style: chr7-45077918-CATGAGAAGGTGACAGAGAGGCGCCCT-C.
Other names: c.161_186del, p.His54fs (NM_001029835.2); c.98_123del, p.His33fs (NM_001167935.2, NM_001363458.2); c.31-25598_31-25573del (NM_001363459.2, NM_001167934.2); short protein forms H54fs, H33fs.
Identifiers: ClinVar variation 804670 (VCV000804670.1), dbSNP rs1583901813, ClinGen allele CA915944922.

ClinVar aggregate classification (germline): Pathogenic (1 of 4 stars; one submission).

Submission:

Athena Diagnostics
Classification: Pathogenic. Last evaluated: 2019-06-12. Review status: criteria provided, single submitter. Criteria: Athena Diagnostics Criteria. Collection method: clinical testing. Allele origin: germline.
Comment: The variant results in a shift of the reading frame, and is therefore predicted to result in the loss of a functional protein. Found in at least one symptomatic patient, and not found in general population data.